The following is an entry in ClinVar:

ClinVar aggregate classification (germline): Conflicting classifications of pathogenicity. Review status: criteria provided, conflicting classifications (1 of 4 stars). 7 submissions from 7 submitters: Pathogenic (1); Uncertain significance (4); Likely benign (1). 1 of the submissions does not count toward it. Last evaluated 2026-08-31.

Conditions:
BCS1L-related disorder. Also called: BCS1L-related disorders; BCS1L-related condition. Identifiers: MedGen CN239240.
GRACILE syndrome (FLNMS). Also called: FELLMAN SYNDROME; FINNISH LETHAL NEONATAL METABOLIC SYNDROME. Identifiers: Orphanet 53693, MedGen C1864002, MONDO:0011308, OMIM 603358.
Pili torti-deafness syndrome (BJS). Also called: PILI TORTI AND NERVE DEAFNESS; Bjornstad syndrome. Identifiers: Orphanet 123, MedGen C0266006, MONDO:0009872, OMIM 262000.

Allele frequency attached by ClinVar (database versions not stated): gnomAD 0.00006; TOPMed 0.00006; ExAC 0.00008; ESP Exome Variant Server 0.00008; gnomAD exomes 0.00016.
gnomAD v4.1: 111 of 1,614,092 alleles (0.0069%); highest among the groups gnomAD compares: South Asian, 0.0033%; no homozygotes.

Submissions (7):

PreventionGenetics, part of Exact Sciences
Classification: Uncertain significance for BCS1L-related condition. Last evaluated: 2026-08-31. Review status: criteria provided, single submitter. Criteria: ACMG Guidelines, 2015. Collection method: clinical testing. Allele origin: germline.
Comment: The BCS1L c.217C>T variant is predicted to result in the amino acid substitution p.Arg73Cys. This variant was reported in compound heterozygous state with in an individual with mitochondrial complex 3 deficiency (Fernandez-Vizarra et al. 2007. PubMed ID: 17403714). This variant is reported in 0.30% of alleles in individuals of Ashkenazi Jewish descent in gnomAD. In ClinVar, this variant is assessed as likely benign, uncertain and pathogenic (Variation ID: 554974). At this time, the clinical significance of this variant is uncertain due to the absence of conclusive functional and genetic evidence.

Labcorp Genetics (formerly Invitae), Labcorp
Classification: Likely benign. Last evaluated: 2026-01-20. Review status: criteria provided, single submitter. Criteria: Invitae Variant Classification Sherloc (09022015). Collection method: clinical testing. Allele origin: germline.

GeneDx
Classification: Uncertain significance. Last evaluated: 2024-12-11. Review status: criteria provided, single submitter. Criteria: GeneDx Variant Classification Process June 2021. Collection method: clinical testing. Allele origin: germline.
Comment: Identified with a second variant in a patient with BCS1L-related mitochondrial complex III deficiency in the published literature (PMID: 17403714); In silico analysis supports that this missense variant has a deleterious effect on protein structure/function; This variant is associated with the following publications: (PMID: 22310368, 23168492, 30582773, 17403714)

Baylor Genetics
Classification: Uncertain significance for GRACILE syndrome. Last evaluated: 2024-02-13. Review status: criteria provided, single submitter. Criteria: ACMG Guidelines, 2015. Collection method: clinical testing. Allele origin: unknown.

Department of Pathology and Laboratory Medicine, Sinai Health System
Classification: Uncertain significance for Bjornstad syndrome. Last evaluated: 2023-02-21. Review status: criteria provided, single submitter. Criteria: ACMG Guidelines, 2015. Collection method: research. Allele origin: germline.

CeGaT Center for Human Genetics Tuebingen
Classification: Pathogenic. Last evaluated: 2020-03-01. Review status: criteria provided, single submitter. Criteria: CeGaT Center For Human Genetics Tuebingen Variant Classification Criteria Version 2. Collection method: clinical testing. Allele origin: germline. Affected: yes. Observed: 1 variant allele.

Counsyl
Classification: Uncertain significance for GRACILE syndrome. Last evaluated: 2017-11-09. Review status: no assertion criteria provided. Collection method: clinical testing. Allele origin: unknown. Not counted in ClinVar's aggregate classification.

Literature cited by the submitters: PubMed 17403714 (cited by Counsyl).

NM_001079866.2(BCS1L):c.217C>T (p.Arg73Cys)

Gene: BCS1L (BCS1 ubiquinol-cytochrome c reductase complex chaperone; plus strand). Cytogenetic location: 2q35.
Variant type: single nucleotide variant.
Coding change: c.217C>T on transcript NM_001079866.2 (MANE Select); coding-DNA position 217, C replaced by T.
Protein change: p.Arg73Cys; replaces arginine 73 with cysteine.
Molecular consequence: missense variant. On other transcripts: 5 prime UTR variant (5), non-coding transcript variant (1), intron variant (3).
Genome position (GRCh38, 1-based): chr2:218,661,204, C>T. VCF-style: chr2-218661204-C-T. GRCh37 (hg19) VCF-style: chr2-219525927-C-T.
Other names: c.217C>T, p.Arg73Cys (NM_001257342.2, NM_001257343.2, NM_001257344.2 and 10 more transcripts); c.-260C>T (NM_001371453.1, NM_001371454.1, NM_001371455.1 and 2 more transcripts); c.-40-202C>T (NM_001371451.1, NM_001318836.2); c.-41-555C>T (NM_001371452.1); short protein forms R73C.
Identifiers: ClinVar variation 554974 (VCV000554974.59), dbSNP rs140812286, ClinGen allele CA2109627.